The following is an entry in ClinVar:

NM_001348716.2(KDM6B):c.3921C>G (p.Asp1307Glu)

Genes: KDM6B (lysine demethylase 6B; plus strand), LOC121587574 (Sharpr-MPRA regulatory region 3930; plus strand). Cytogenetic location: 17p13.1.
Variant type: single nucleotide variant.
Coding change: c.3921C>G on transcript NM_001348716.2 (MANE Select); coding-DNA position 3921, C replaced by G.
Protein change: p.Asp1307Glu; replaces aspartic acid 1307 with glutamic acid.
Molecular consequence: missense variant.
Genome position (GRCh38, 1-based): chr17:7,851,371, C>G. VCF-style: chr17-7851371-C-G. GRCh37 (hg19) VCF-style: chr17-7754689-C-G.
Other names: c.3921C>G, p.Asp1307Glu (NM_001080424.2); short protein forms D1307E.
Identifiers: ClinVar variation 3032157 (VCV003032157.2), dbSNP rs535012380, ClinGen allele CA8361296.

ClinVar aggregate classification (germline): Likely benign (0 of 4 stars; one submission).

Conditions:
KDM6B-related disorder. Also called: KDM6B-related condition.

Allele frequency attached by ClinVar (database versions not stated): ExAC 0.00002; gnomAD 0.00003; 1000 Genomes Project 30x 0.00031; 1000 Genomes Project 0.00040.
gnomAD v4.1: 52 of 1,614,178 alleles (0.0032%); highest among the groups gnomAD compares: South Asian, 0.055%; 3 homozygotes.

Submission:

PreventionGenetics, part of Exact Sciences
Classification: Likely benign for KDM6B-related condition. Last evaluated: 2024-01-02. Review status: no assertion criteria provided. Collection method: clinical testing. Allele origin: germline.
Comment: This variant is classified as likely benign based on ACMG/AMP sequence variant interpretation guidelines (Richards et al. 2015 PMID: 25741868, with internal and published modifications).